The following is an entry in ClinVar:

ClinVar aggregate classification (germline): Pathogenic (1 of 4 stars; one submission).

Conditions:
Legius syndrome. Identifiers: Orphanet 137605, MedGen C1969623, MONDO:0012669, OMIM 611431. Disease mechanism: loss of function.

Submission:

Labcorp Genetics (formerly Invitae), Labcorp
Classification: Pathogenic for Legius syndrome. Last evaluated: 2023-07-06. Review status: criteria provided, single submitter. Criteria: Invitae Variant Classification Sherloc (09022015). Collection method: clinical testing. Allele origin: germline.
Comment: This sequence change creates a premature translational stop signal (p.Tyr14*) in the SPRED1 gene. It is expected to result in an absent or disrupted protein product. Loss-of-function variants in SPRED1 are known to be pathogenic (PMID: 17704776). This variant is not present in population databases (gnomAD no frequency). This variant has not been reported in the literature in individuals affected with SPRED1-related conditions. For these reasons, this variant has been classified as Pathogenic.

Literature cited by the submitters: PubMed 17704776.

NM_152594.3(SPRED1):c.42T>G (p.Tyr14Ter)

Gene: SPRED1 (sprouty related EVH1 domain containing 1; plus strand). Cytogenetic location: 15q14.
Variant type: single nucleotide variant.
Coding change: c.42T>G on transcript NM_152594.3 (MANE Select); coding-DNA position 42, T replaced by G.
Protein change: p.Tyr14Ter; replaces tyrosine 14 with a stop codon.
Molecular consequence: nonsense.
Genome position (GRCh38, 1-based): chr15:38,299,382, T>G. VCF-style: chr15-38299382-T-G. GRCh37 (hg19) VCF-style: chr15-38591583-T-G.
Other names: short protein forms Y14*.
Identifiers: ClinVar variation 2825380 (VCV002825380.3), dbSNP rs764234046, ClinGen allele CA391933781.
Genomic context (GRCh38, chr15:38,299,382, plus strand): 5'-CTGTTTTTTGTTTATGGAAAAGCTAATTCCTGATCTTTGCATCTATTTTAGTAATAGTTA[T>G]GCACGAGTGCGAGCTGTGGTGATGACCCGAGATGACTCAAGTGGTGGATGGTTACCACTT-3'